The following is an entry in ClinVar:

ClinVar aggregate classification (germline): Uncertain significance (1 of 4 stars; one submission).

Conditions:
Parathyroid carcinoma (PRTC). Also called: Parathyroid gland carcinoma; CDC73-Related Parathyroid Carcinoma. Identifiers: Orphanet 143, MedGen C0687150, MONDO:0012004, OMIM 608266, HP:0006780.

Submission:

Labcorp Genetics (formerly Invitae), Labcorp
Classification: Uncertain significance for Parathyroid carcinoma. Last evaluated: 2022-09-01. Review status: criteria provided, single submitter. Criteria: Invitae Variant Classification Sherloc (09022015). Collection method: clinical testing. Allele origin: germline.
Comment: In summary, the available evidence is currently insufficient to determine the role of this variant in disease. Therefore, it has been classified as a Variant of Uncertain Significance. Algorithms developed to predict the effect of missense changes on protein structure and function (SIFT, PolyPhen-2, Align-GVGD) all suggest that this variant is likely to be tolerated. ClinVar contains an entry for this variant (Variation ID: 462736). This variant has not been reported in the literature in individuals affected with CDC73-related conditions. This variant is not present in population databases (gnomAD no frequency). This sequence change replaces alanine, which is neutral and non-polar, with serine, which is neutral and polar, at codon 347 of the CDC73 protein (p.Ala347Ser).

NM_024529.5(CDC73):c.1039G>T (p.Ala347Ser)

Gene: CDC73 (cell division cycle 73; plus strand). Cytogenetic location: 1q31.2.
Variant type: single nucleotide variant.
Coding change: c.1039G>T on transcript NM_024529.5 (MANE Select); coding-DNA position 1039, G replaced by T.
Protein change: p.Ala347Ser; replaces alanine 347 with serine.
Molecular consequence: missense variant.
Genome position (GRCh38, 1-based): chr1:193,212,073, G>T. VCF-style: chr1-193212073-G-T. GRCh37 (hg19) VCF-style: chr1-193181203-G-T.
Other names: short protein forms A347S.
Identifiers: ClinVar variation 462736 (VCV000462736.9), dbSNP rs1553288361, ClinGen allele CA344077436.
Genomic context (GRCh38, chr1:193,212,073, plus strand): 5'-TAAGAATATGGTTTTTATGACACAGAGTTGTGATTTTTTTTCTTTTTCACAGTTTCTCAA[G>T]CAAGACCTCCCCCAAATCAGAAGAAAGGTGAGGTTGTGCATATGATTTTAAACTTAACTT-3'
Protein context (NP_078805.3, residues 337-357): AQPVPRPVSQ[Ala347Ser]RPPPNQKKGS